The following is an entry in ClinVar:

ClinVar aggregate classification (germline): Uncertain significance. Review status: criteria provided, multiple submitters, no conflicts (2 of 4 stars). 2 submissions from 2 submitters: Uncertain significance (2). Last evaluated 2024-06-10.

Conditions:
RASopathy. Also called: rasopathies; Noonan spectrum disorder. Identifiers: Orphanet 536391, MedGen C5555857, MONDO:0021060.

Submissions (2):

Labcorp Genetics (formerly Invitae), Labcorp
Classification: Uncertain significance for RASopathy. Last evaluated: 2024-06-10. Review status: criteria provided, single submitter. Criteria: Invitae Variant Classification Sherloc (09022015). Collection method: clinical testing. Allele origin: germline.
Comment: This sequence change replaces aspartic acid, which is acidic and polar, with asparagine, which is neutral and polar, at codon 80 of the RAF1 protein (p.Asp80Asn). This variant is present in population databases (rs761260730, gnomAD 0.0009%). This variant has not been reported in the literature in individuals affected with RAF1-related conditions. Advanced modeling of protein sequence and biophysical properties (such as structural, functional, and spatial information, amino acid conservation, physicochemical variation, residue mobility, and thermodynamic stability) has been performed at Invitae for this missense variant, however the output from this modeling did not meet the statistical confidence thresholds required to predict the impact of this variant on RAF1 protein function. In summary, the available evidence is currently insufficient to determine the role of this variant in disease. Therefore, it has been classified as a Variant of Uncertain Significance.

Blueprint Genetics
Classification: Uncertain significance. Last evaluated: 2020-10-27. Review status: criteria provided, single submitter. Criteria: ACMG Guidelines, 2015. Collection method: clinical testing. Allele origin: germline.

NM_002880.4(RAF1):c.238G>A (p.Asp80Asn)

Gene: RAF1 (Raf-1 proto-oncogene, serine/threonine kinase; minus strand). Cytogenetic location: 3p25.2.
Variant type: single nucleotide variant.
Coding change: c.238G>A on transcript NM_002880.4 (MANE Select); coding-DNA position 238, G replaced by A.
Protein change: p.Asp80Asn; replaces aspartic acid 80 with asparagine.
Molecular consequence: missense variant. On other transcripts: non-coding transcript variant (3), intron variant (4).
Genome position (GRCh38, 1-based): chr3:12,612,032, C>T on the plus strand (G>A on the coding strand, the complement: RAF1 is on the minus strand). VCF-style: chr3-12612032-C-T. GRCh37 (hg19) VCF-style: chr3-12653531-C-T.
Other names: c.238G>A, p.Asp80Asn (NM_001354689.3, NM_001354690.3, NM_001354693.3); c.78-2697G>A (NM_001354695.3, NM_001354692.3, NM_001354694.3 and 1 more transcripts); short protein forms D80N.
Identifiers: ClinVar variation 3700786 (VCV003700786.3).